The following is an entry in ClinVar:

NM_005751.5(AKAP9):c.8601A>T (p.Glu2867Asp)

Gene: AKAP9 (A-kinase anchoring protein 9; plus strand). Cytogenetic location: 7q21.2.
Variant type: single nucleotide variant.
Coding change: c.8601A>T on transcript NM_005751.5 (MANE Select); coding-DNA position 8601, A replaced by T.
Protein change: p.Glu2867Asp; replaces glutamic acid 2867 with aspartic acid.
Molecular consequence: missense variant.
Genome position (GRCh38, 1-based): chr7:92,083,610, A>T. VCF-style: chr7-92083610-A-T. GRCh37 (hg19) VCF-style: chr7-91712924-A-T.
Other names: c.3246A>T, p.Glu1082Asp (NM_001379277.1); c.8577A>T, p.Glu2859Asp (NM_147185.3); short protein forms E2859D, E1082D, E2867D.
Identifiers: ClinVar variation 1508845 (VCV001508845.6), dbSNP rs1263755495, ClinGen allele CA368139939.

ClinVar aggregate classification (germline): Uncertain significance (1 of 4 stars; one submission).

Conditions:
Long QT syndrome (LQTS). Identifiers: MedGen C0023976, MeSH D008133, MONDO:0002442. Disease mechanism: loss of function. Inheritance: Various modes of inheritance.

Submission:

Labcorp Genetics (formerly Invitae), Labcorp
Classification: Uncertain significance for Long QT syndrome. Last evaluated: 2021-07-30. Review status: criteria provided, single submitter. Criteria: Invitae Variant Classification Sherloc (09022015). Collection method: clinical testing. Allele origin: germline.
Comment: This variant has not been reported in the literature in individuals affected with AKAP9-related conditions. This variant is not present in population databases (ExAC no frequency). This sequence change replaces glutamic acid with aspartic acid at codon 2867 of the AKAP9 protein (p.Glu2867Asp). The glutamic acid residue is highly conserved and there is a small physicochemical difference between glutamic acid and aspartic acid. In summary, the available evidence is currently insufficient to determine the role of this variant in disease. Therefore, it has been classified as a Variant of Uncertain Significance. Algorithms developed to predict the effect of missense changes on protein structure and function are either unavailable or do not agree on the potential impact of this missense change (SIFT: "Deleterious"; PolyPhen-2: "Probably Damaging"; Align-GVGD: "Class C0").